The following is an entry in ClinVar:

NM_000037.4(ANK1):c.3553T>A (p.Trp1185Arg)

Gene: ANK1 (ankyrin 1; minus strand). Cytogenetic location: 8p11.21.
Variant type: single nucleotide variant.
Coding change: c.3553T>A on transcript NM_000037.4 (MANE Select); coding-DNA position 3553, T replaced by A.
Protein change: p.Trp1185Arg; replaces tryptophan 1185 with arginine.
Molecular consequence: missense variant.
Genome position (GRCh38, 1-based): chr8:41,693,181, A>T on the plus strand (T>A on the coding strand, the complement: ANK1 is on the minus strand). VCF-style: chr8-41693181-A-T. GRCh37 (hg19) VCF-style: chr8-41550699-A-T.
Other names: c.3676T>A, p.Trp1226Arg (NM_001142446.2); c.3553T>A, p.Trp1185Arg (NM_020475.3, NM_020476.3, NM_020477.3); short protein forms W1185R, W1226R.
Identifiers: ClinVar variation 3366940 (VCV003366940.1).

ClinVar aggregate classification (germline): Likely pathogenic (1 of 4 stars; one submission).

Conditions:
Hereditary spherocytosis type 1. Also called: Spherocytosis type 1; ANK1-Related Spherocytosis. Identifiers: Orphanet 822, MedGen C2674218, MONDO:0008447, OMIM 182900.

Submission:

Institute of Immunology and Genetics Kaiserslautern
Classification: Likely pathogenic for Hereditary spherocytosis type 1. Last evaluated: 2024-09-19. Review status: criteria provided, single submitter. Criteria: ACMG Guidelines, 2015. Collection method: clinical testing. Allele origin: germline. Affected: yes.
Comment: ACMG Criteria: PM1, PM2_P, PP3, PP4, PP5; Variant was found in heterozygous state.